The following is an entry in ClinVar:

ClinVar aggregate classification (germline): other (0 of 4 stars; one submission).

Conditions:
Familial colorectal cancer. Identifiers: MedGen CN280943, MONDO:0023113. Disease mechanism: loss of function.

Submission:

Systems Biology Platform Zhejiang California International NanoSystems Institute
Classification: other for Familial colorectal cancer. Review status: no assertion criteria provided. Collection method: not provided. Allele origin: unknown.
ClinVar note: Converted during submission from cancer to other.

NM_000038.6(APC):c.835-963C>A

Gene: APC (APC regulator of WNT signaling pathway; plus strand). Cytogenetic location: 5q22.2.
Variant type: single nucleotide variant.
Coding change: c.835-963C>A on transcript NM_000038.6 (MANE Select); 963 bases into the intron before coding-DNA position 835, C replaced by A.
Molecular consequence: intron variant.
Genome position (GRCh38, 1-based): chr5:112,814,532, C>A. VCF-style: chr5-112814532-C-A. GRCh37 (hg19) VCF-style: chr5-112150229-C-A.
Other names: c.835-963C>A (NM_001354895.2, NM_001127510.3, NM_001354896.2 and 1 more transcripts); c.865-963C>A (NM_001354897.2, NM_001354902.2); c.781-963C>A (NM_001127511.3); c.760-963C>A (NM_001354898.2, NM_001354904.2); c.-15-963C>A (NM_001354906.2); c.751-963C>A (NM_001354899.2); c.658-963C>A (NM_001354900.2, NM_001354901.2, NM_001354905.2).
Identifiers: ClinVar variation 83095 (VCV000083095.2), dbSNP rs78186993, ClinGen allele CA015394.